The following is an entry in ClinVar:

NM_001009944.3(PKD1):c.10768C>T (p.Leu3590=)

Genes: PKD1 (polycystin 1, transient receptor potential channel interacting; minus strand), PKD1-AS1 (PKD1 antisense RNA 1; plus strand). Cytogenetic location: 16p13.3.
Variant type: single nucleotide variant.
Coding change: c.10768C>T on transcript NM_001009944.3 (MANE Select); coding-DNA position 10768, C replaced by T.
Protein change: p.Leu3590=; no amino-acid change (leucine 3590 retained).
Molecular consequence: synonymous variant.
Genome position (GRCh38, 1-based): chr16:2,093,864, G>A on the plus strand (C>T on the coding strand, the complement: PKD1 is on the minus strand). VCF-style: chr16-2093864-G-A. GRCh37 (hg19) VCF-style: chr16-2143865-G-A.
Other names: p.Leu3590=; c.10765C>T, p.Leu3589= (NM_000296.4).
Identifiers: ClinVar variation 256894 (VCV000256894.23), dbSNP rs116114803, ClinGen allele CA7829439.

ClinVar aggregate classification (germline): Benign/Likely benign. Review status: criteria provided, multiple submitters, no conflicts (2 of 4 stars). 12 submissions from 12 submitters: Benign (8); Likely benign (1). 3 of the submissions do not count toward it. Last evaluated 2025-04-25.

Conditions:
Autosomal dominant polycystic kidney disease. Identifiers: Orphanet 730, MedGen C0085413, MONDO:0004691.
Polycystic kidney disease, adult type (PKD1). Also called: Polycystic Kidney Disease 1, Autosomal Dominant; Polycystic kidney disease 1; Polycystic kidney disease 1, severe; POLYCYSTIC KIDNEY DISEASE 1 WITH OR WITHOUT POLYCYSTIC LIVER DISEASE; Polycystic Kidney, Autosomal Dominant; POLYCYSTIC KIDNEY DISEASE, ADULT, TYPE I. Identifiers: MedGen C3149841, MONDO:0008263, OMIM 173900.

Allele frequency attached by ClinVar (database versions not stated): TOPMed 0.02262; gnomAD 0.02380; ESP Exome Variant Server 0.02454; gnomAD exomes 0.03268 and 0.02196; ExAC 0.04416; 1000 Genomes Project 0.00699; 1000 Genomes Project 30x 0.00796.
gnomAD v4.1: 49,435 of 1,569,998 alleles (3.1%); highest among the groups gnomAD compares: Non-Finnish European, 3.8%; 941 homozygotes.

Submissions (12):

Women's Health and Genetics/Laboratory Corporation of America, LabCorp
Classification: Benign. Last evaluated: 2025-04-25. Review status: criteria provided, single submitter. Criteria: LabCorp Variant Classification Summary - May 2015. Collection method: clinical testing. Allele origin: germline.

Blueprint Genetics
Classification: Likely benign. Last evaluated: 2024-11-27. Review status: criteria provided, single submitter. Criteria: ACMG Guidelines, 2015. Collection method: clinical testing. Allele origin: germline.

Mayo Clinic Laboratories, Mayo Clinic
Classification: Benign. Last evaluated: 2023-04-07. Review status: criteria provided, single submitter. Criteria: ACMG Guidelines, 2015. Collection method: clinical testing. Allele origin: germline. Observed: 14 variant alleles.
Comment: BA1, BP4, BP7

GeneDx
Classification: Benign. Last evaluated: 2020-10-27. Review status: criteria provided, single submitter. Criteria: GeneDx Variant Classification Process June 2021. Collection method: clinical testing. Allele origin: germline. Affected: yes.
Comment: This variant is associated with the following publications: (PMID: 19686598, 11058904, 15772804)

ARUP Laboratories, Molecular Genetics and Genomics, ARUP Laboratories
Classification: Benign for Polycystic kidney disease, adult type. Last evaluated: 2020-05-08. Review status: criteria provided, single submitter. Criteria: ARUP Molecular Germline Variant Investigation Process. Collection method: clinical testing. Allele origin: germline.

Molecular Genetics of Inherited Kidney Disorders Laboratory, Garvan Institute of Medical Research
Classification: Benign for Autosomal dominant polycystic kidney disease. Last evaluated: 2019-01-01. Review status: criteria provided, single submitter. Criteria: ACMG Guidelines, 2015. Collection method: research. Allele origin: germline. Affected: yes.

Athena Diagnostics
Classification: Benign for Polycystic kidney disease, adult type. Last evaluated: 2017-05-15. Review status: criteria provided, single submitter. Criteria: Athena Diagnostics Criteria. Collection method: clinical testing. Allele origin: germline.

Breakthrough Genomics
Classification: Benign. Review status: criteria provided, single submitter. Criteria: ACMG Guidelines, 2015. Collection method: not provided. Allele origin: germline. Inheritance: Autosomal dominant inheritance. Affected: yes.

PreventionGenetics, part of Exact Sciences
Classification: Benign. Review status: criteria provided, single submitter. Criteria: ACMG Guidelines, 2015. Collection method: clinical testing. Allele origin: germline.

Department of Pathology and Laboratory Medicine, Sinai Health System
Classification: Benign. Review status: no assertion criteria provided. Collection method: clinical testing. Allele origin: unknown. Affected: yes. Study: The Canadian Open Genetics Repository (COGR). Not counted in ClinVar's aggregate classification.

Joint Genome Diagnostic Labs from Nijmegen and Maastricht, Radboudumc and MUMC+
Classification: Benign. Review status: no assertion criteria provided. Collection method: clinical testing. Allele origin: germline. Affected: yes. Study: VKGL Data-share Consensus. Not counted in ClinVar's aggregate classification.

Laboratory of Diagnostic Genome Analysis, Leiden University Medical Center (LUMC)
Classification: Benign. Review status: no assertion criteria provided. Collection method: clinical testing. Allele origin: germline. Affected: yes. Study: VKGL Data-share Consensus. Not counted in ClinVar's aggregate classification.

Literature cited by the submitters: PubMed 11058904 (cited by Athena Diagnostics); PubMed 15772804 (cited by Athena Diagnostics).